The following is an entry in ClinVar:

ClinVar aggregate classification (germline): Likely benign. Review status: criteria provided, single submitter (1 of 4 stars). 2 submissions from 2 submitters: Likely benign (1). 1 of the submissions does not count toward it. Last evaluated 2023-07-14.

Conditions:
RAB23-related disorder. Also called: RAB23-related condition.
Carpenter syndrome. Identifiers: Orphanet 65759, MedGen C1275078, MONDO:0019012.

Allele frequency attached by ClinVar (database versions not stated): gnomAD exomes 0.00001; ExAC 0.00002.

Submissions (2):

Labcorp Genetics (formerly Invitae), Labcorp
Classification: Likely benign for Carpenter syndrome. Last evaluated: 2023-07-14. Review status: criteria provided, single submitter. Criteria: Invitae Variant Classification Sherloc (09022015). Collection method: clinical testing. Allele origin: germline.

PreventionGenetics, part of Exact Sciences
Classification: Likely benign for RAB23-related condition. Last evaluated: 2024-08-06. Review status: no assertion criteria provided. Collection method: clinical testing. Allele origin: germline. Not counted in ClinVar's aggregate classification.
Comment: This variant is classified as likely benign based on ACMG/AMP sequence variant interpretation guidelines (Richards et al. 2015 PMID: 25741868, with internal and published modifications).

NM_016277.5(RAB23):c.155+6dup

Gene: RAB23 (RAB23, member RAS oncogene family; minus strand). Cytogenetic location: 6p11.2.
Variant type: Duplication.
Coding change: c.155+6dup on transcript NM_016277.5 (MANE Select); 6 bases into the intron after coding-DNA position 155, one base duplicated (T; older notation c.155+6dupT).
Molecular consequence: intron variant.
Genome position (GRCh38, 1-based): chr6:57,210,220, A duplicated on the plus strand (T on the coding strand, the reverse complement: RAB23 is on the minus strand). VCF-style (leftmost placement, unchanged base first): chr6-57210219-T-TA. GRCh37 (hg19) VCF-style: chr6-57075017-T-TA.
Other names: c.155+6dup (NM_001278666.2, NM_001278667.2, NM_001278668.2 and 1 more transcripts); c.155+6dupT (NM_183227.2).
Identifiers: ClinVar variation 1578014 (VCV001578014.9), dbSNP rs761067059, ClinGen allele CA3873916.